The following is an entry in ClinVar:

ClinVar aggregate classification (germline): Uncertain significance (1 of 4 stars; one submission).

Conditions:
Ciliary dyskinesia, primary, 37 (CILD37). Also called: CILIARY DYSKINESIA, PRIMARY, 37, WITH OR WITHOUT SITUS INVERSUS. Identifiers: MedGen C4539798, MONDO:0033204, OMIM 617577.
Spermatogenic failure 18. Identifiers: MedGen C4539783, MONDO:0054615, OMIM 617576.

Allele frequency attached by ClinVar (database versions not stated): gnomAD 0.00001; gnomAD exomes 0.00001; TOPMed 0.00001.
gnomAD v4.1: 5 of 1,596,682 alleles (0.00031%); highest among the groups gnomAD compares: Admixed American, 0.0052%; no homozygotes.

Submission:

Labcorp Genetics (formerly Invitae), Labcorp
Classification: Uncertain significance for Ciliary dyskinesia, primary, 37; Spermatogenic failure 18. Last evaluated: 2022-01-20. Review status: criteria provided, single submitter. Criteria: Invitae Variant Classification Sherloc (09022015). Collection method: clinical testing. Allele origin: germline.
Comment: This variant has not been reported in the literature in individuals affected with DNAH1-related conditions. This sequence change replaces lysine, which is basic and polar, with asparagine, which is neutral and polar, at codon 1305 of the DNAH1 protein (p.Lys1305Asn). This variant is present in population databases (no rsID available, gnomAD 0.007%). Algorithms developed to predict the effect of missense changes on protein structure and function (SIFT, PolyPhen-2, Align-GVGD) all suggest that this variant is likely to be tolerated. In summary, the available evidence is currently insufficient to determine the role of this variant in disease. Therefore, it has been classified as a Variant of Uncertain Significance.

NM_015512.5(DNAH1):c.3915G>C (p.Lys1305Asn)

Gene: DNAH1 (dynein axonemal heavy chain 1; plus strand). Cytogenetic location: 3p21.1.
Variant type: single nucleotide variant.
Coding change: c.3915G>C on transcript NM_015512.5 (MANE Select); coding-DNA position 3915, G replaced by C.
Protein change: p.Lys1305Asn; replaces lysine 1305 with asparagine.
Molecular consequence: missense variant.
Genome position (GRCh38, 1-based): chr3:52,357,670, G>C. VCF-style: chr3-52357670-G-C. GRCh37 (hg19) VCF-style: chr3-52391686-G-C.
Other names: short protein forms K1305N.
Identifiers: ClinVar variation 1411652 (VCV001411652.6), dbSNP rs1004871183, ClinGen allele CA74747584.
Genomic context (GRCh38, chr3:52,357,670, plus strand): 5'-GCAGGTGATCAATGTGTGTTCCGACCTGAGAATGCTGGACAGCCTGCGGGACTGCAACAA[G>C]ATTCTGGACCTGGTGCAGAAGGGCCTCAGCGAGTATCTGGAGACCAAGAGGAGCGCCTTC-3'
Protein context (NP_056327.4, residues 1295-1315): RMLDSLRDCN[Lys1305Asn]ILDLVQKGLS